The following is an entry in ClinVar:

NM_000497.4(CYP11B1):c.835dup (p.Ala279fs)

Genes: CYP11B1 (cytochrome P450 family 11 subfamily B member 1; minus strand), LOC106799833 (CYP11B1 recombination region; plus strand). Cytogenetic location: 8q24.3.
Variant type: Duplication.
Coding change: c.835dup on transcript NM_000497.4 (MANE Select); coding-DNA position 835, one base duplicated (G; older notation c.835dupG).
Protein change: p.Ala279fs; shifts the reading frame from alanine 279.
Molecular consequence: frameshift variant.
Genome position (GRCh38, 1-based): chr8:142,876,360, C duplicated on the plus strand (G on the coding strand, the reverse complement: CYP11B1 is on the minus strand); the first of 2 consecutive C bases (chr8:142,876,360-142,876,361); duplicating either gives the same sequence. VCF-style (leftmost placement, unchanged base first): chr8-142876359-G-GC. GRCh37 (hg19) VCF-style: chr8-143957775-G-GC.
Other names: c.835dup, p.Ala279fs (NM_001026213.1); short protein forms A279fs.
Identifiers: ClinVar variation 5012196 (VCV005012196.1).

ClinVar aggregate classification (germline): Pathogenic (1 of 4 stars; one submission).

Conditions:
Deficiency of steroid 11-beta-monooxygenase (CYP11B1). Also called: ADRENAL HYPERPLASIA, CONGENITAL, DUE TO STEROID 11-BETA-HYDROXYLASE DEFICIENCY; 11-BETA-HYDROXYLASE DEFICIENCY; ADRENAL HYPERPLASIA IV; P450C11B1 DEFICIENCY; STEROID 11-BETA-HYDROXYLASE DEFICIENCY; Congenital adrenal hyperplasia due to 11-beta-hydroxylase deficiency. Identifiers: Orphanet 90795, MedGen C0268292, MONDO:0008729, OMIM 202010. Disease mechanism: loss of function.

Submission:

Myriad Genetics, Inc.
Classification: Pathogenic for Deficiency of steroid 11-beta-monooxygenase. Last evaluated: 2023-09-27. Review status: criteria provided, single submitter. Criteria: Myriad Autosomal Dominant, Autosomal Recessive and X-Linked Classification Criteria (2023). Collection method: clinical testing. Allele origin: unknown.
Comment: NM_000497.3(CYP11B1):c.835dupG(A279Gfs*51) is expected to be pathogenic in the context of congenital adrenal hyperplasia, CYP11B1-related. This variant is predicted to lead to an abnormal or absent protein product due to the creation of a premature termination codon in CYP11B1, a gene where loss-of-function variants are known to be pathogenic. Please note: this variant was assessed in the context of healthy population screening.